The following is an entry in ClinVar:

ClinVar aggregate classification (germline): Uncertain significance (1 of 4 stars; one submission).

Conditions:
Sclerosteosis 2 (SOST2). Identifiers: Orphanet 3152, MedGen C3280402, MONDO:0013679, OMIM 614305.
Congenital myasthenic syndrome 17. Identifiers: Orphanet 590, MedGen C4225377, MONDO:0014578, OMIM 616304.
Cenani-Lenz syndactyly syndrome. Also called: CENANI SYNDACTYLISM; SYNDACTYLY, TYPE VII. Identifiers: Orphanet 3258, MedGen C1859309, MONDO:0008931, OMIM 212780.

Allele frequency attached by ClinVar (database versions not stated): gnomAD exomes below 0.00001.
gnomAD v4.1: 3 of 1,614,168 alleles (0.00019%); highest among the groups gnomAD compares: Non-Finnish European, 0.00025%; no homozygotes.

Submission:

Labcorp Genetics (formerly Invitae), Labcorp
Classification: Uncertain significance for Cenani-Lenz syndactyly syndrome; Sclerosteosis 2; Congenital myasthenic syndrome 17. Last evaluated: 2021-09-14. Review status: criteria provided, single submitter. Criteria: Invitae Variant Classification Sherloc (09022015). Collection method: clinical testing. Allele origin: germline.
Comment: This sequence change replaces threonine with serine at codon 1662 of the LRP4 protein (p.Thr1662Ser). The threonine residue is highly conserved and there is a small physicochemical difference between threonine and serine. This variant is not present in population databases (ExAC no frequency). This variant has not been reported in the literature in individuals affected with LRP4-related conditions. Algorithms developed to predict the effect of missense changes on protein structure and function are either unavailable or do not agree on the potential impact of this missense change (SIFT: "Deleterious"; PolyPhen-2: "Benign"; Align-GVGD: "Class C0"). In summary, the available evidence is currently insufficient to determine the role of this variant in disease. Therefore, it has been classified as a Variant of Uncertain Significance.

NM_002334.4(LRP4):c.4985C>G (p.Thr1662Ser)

Genes: LRP4 (LDL receptor related protein 4; minus strand), LRP4-AS1 (LRP4 antisense RNA 1; plus strand). Cytogenetic location: 11p11.2.
Variant type: single nucleotide variant.
Coding change: c.4985C>G on transcript NM_002334.4 (MANE Select); coding-DNA position 4985, C replaced by G.
Protein change: p.Thr1662Ser; replaces threonine 1662 with serine.
Molecular consequence: missense variant.
Genome position (GRCh38, 1-based): chr11:46,868,081, G>C on the plus strand (C>G on the coding strand, the complement: LRP4 is on the minus strand). VCF-style: chr11-46868081-G-C. GRCh37 (hg19) VCF-style: chr11-46889632-G-C.
Other names: short protein forms T1662S.
Identifiers: ClinVar variation 1426326 (VCV001426326.3), dbSNP rs1384073340, ClinGen allele CA380263126.